The following is an entry in ClinVar:

NM_006440.5(TXNRD2):c.957C>G (p.Val319=)

Gene: TXNRD2 (thioredoxin reductase 2; minus strand). Cytogenetic location: 22q11.21.
Variant type: single nucleotide variant.
Coding change: c.957C>G on transcript NM_006440.5 (MANE Select); coding-DNA position 957, C replaced by G.
Protein change: p.Val319=; no amino-acid change (valine 319 retained).
Molecular consequence: synonymous variant. On other transcripts: non-coding transcript variant (1).
Genome position (GRCh38, 1-based): chr22:19,883,454, G>C on the plus strand (C>G on the coding strand, the complement: TXNRD2 is on the minus strand). VCF-style: chr22-19883454-G-C. GRCh37 (hg19) VCF-style: chr22-19870977-G-C.
Other names: c.954C>G, p.Val318= (NM_001352300.2); c.867C>G, p.Val289= (NM_001352301.2); c.669C>G, p.Val223= (NM_001352302.2).
Identifiers: ClinVar variation 263587 (VCV000263587.19), dbSNP rs371700934, ClinGen allele CA10103878.

ClinVar aggregate classification (germline): Likely benign. Review status: criteria provided, multiple submitters, no conflicts (2 of 4 stars). 4 submissions from 4 submitters: Likely benign (3). 1 of the submissions does not count toward it. Last evaluated 2025-12-28.

Conditions:
TXNRD2-related disorder. Also called: TXNRD2-related condition.
Cardiovascular phenotype. Identifiers: MedGen CN230736.
Primary dilated cardiomyopathy (DCM). Also called: Dilated Cardiomyopathy. Identifiers: Orphanet 217604, MedGen C0007193, MeSH D002311, MONDO:0005021, HP:0001644. Inheritance: Various modes of inheritance.

Allele frequency attached by ClinVar (database versions not stated): gnomAD exomes 0.00012; gnomAD 0.00023 and 0.00024; TOPMed 0.00016; ESP Exome Variant Server 0.00017; ExAC 0.00014.
gnomAD v4.1: 315 of 1,613,944 alleles (0.02%); highest among the groups gnomAD compares: Non-Finnish European, 0.025%; no homozygotes.

Submissions (4):

Labcorp Genetics (formerly Invitae), Labcorp
Classification: Likely benign for Primary dilated cardiomyopathy. Last evaluated: 2025-12-28. Review status: criteria provided, single submitter. Criteria: Invitae Variant Classification Sherloc (09022015). Collection method: clinical testing. Allele origin: germline.

GeneDx
Classification: Likely benign. Last evaluated: 2021-03-02. Review status: criteria provided, single submitter. Criteria: GeneDx Variant Classification Process June 2021. Collection method: clinical testing. Allele origin: germline. Affected: yes.

Ambry Genetics
Classification: Likely benign for Cardiovascular phenotype. Last evaluated: 2019-08-20. Review status: criteria provided, single submitter. Criteria: Ambry Variant Classification Scheme 2023. Collection method: clinical testing. Allele origin: germline.

PreventionGenetics, part of Exact Sciences
Classification: Likely benign for TXNRD2-related condition. Last evaluated: 2024-04-25. Review status: no assertion criteria provided. Collection method: clinical testing. Allele origin: germline. Not counted in ClinVar's aggregate classification.
Comment: This variant is classified as likely benign based on ACMG/AMP sequence variant interpretation guidelines (Richards et al. 2015 PMID: 25741868, with internal and published modifications).